The following is an entry in ClinVar:

NM_144670.6(A2ML1):c.2238C>G (p.Asn746Lys)

Gene: A2ML1 (alpha-2-macroglobulin like 1; plus strand). Cytogenetic location: 12p13.31.
Variant type: single nucleotide variant.
Coding change: c.2238C>G on transcript NM_144670.6 (MANE Select); coding-DNA position 2238, C replaced by G.
Protein change: p.Asn746Lys; replaces asparagine 746 with lysine.
Molecular consequence: missense variant.
Genome position (GRCh38, 1-based): chr12:8,851,787, C>G. VCF-style: chr12-8851787-C-G. GRCh37 (hg19) VCF-style: chr12-9004383-C-G.
Other names: c.765C>G, p.Asn255Lys (NM_001282424.3); c.2238C>G (NM_144670.5); short protein forms N746K, N255K.
Identifiers: ClinVar variation 1414080 (VCV001414080.6), dbSNP rs369633399, ClinGen allele CA6435962.

ClinVar aggregate classification (germline): Uncertain significance. Review status: criteria provided, multiple submitters, no conflicts (2 of 4 stars). 2 submissions from 2 submitters: Uncertain significance (2). Last evaluated 2025-10-26.

Allele frequency attached by ClinVar (database versions not stated): gnomAD exomes below 0.00001; ExAC 0.00001; gnomAD 0.00001; TOPMed 0.00001; ESP Exome Variant Server 0.00008.
gnomAD v4.1: 1 of 1,613,918 alleles (0.000062%); highest among the groups gnomAD compares: Non-Finnish European, 0.000085%; no homozygotes.

Submissions (2):

Labcorp Genetics (formerly Invitae), Labcorp
Classification: Uncertain significance. Last evaluated: 2025-10-26. Review status: criteria provided, single submitter. Criteria: Invitae Variant Classification Sherloc (09022015). Collection method: clinical testing. Allele origin: germline.
Comment: This sequence change replaces asparagine, which is neutral and polar, with lysine, which is basic and polar, at codon 746 of the A2ML1 protein (p.Asn746Lys). This variant is present in population databases (rs369633399, gnomAD 0.0009%). This variant has not been reported in the literature in individuals affected with A2ML1-related conditions. ClinVar contains an entry for this variant (Variation ID: 1414080). An algorithm developed to predict the effect of missense changes on protein structure and function (PolyPhen-2) suggests that this variant is likely to be tolerated. In summary, the available evidence is currently insufficient to determine the role of this variant in disease. Therefore, it has been classified as a Variant of Uncertain Significance.

Women's Health and Genetics/Laboratory Corporation of America, LabCorp
Classification: Uncertain significance. Last evaluated: 2023-06-18. Review status: criteria provided, single submitter. Criteria: LabCorp Variant Classification Summary - May 2015. Collection method: clinical testing. Allele origin: germline.